The following is an entry in ClinVar:

NM_006766.5(KAT6A):c.970G>A (p.Ala324Thr)

Gene: KAT6A (lysine acetyltransferase 6A; minus strand). Cytogenetic location: 8p11.21.
Variant type: single nucleotide variant.
Coding change: c.970G>A on transcript NM_006766.5 (MANE Select); coding-DNA position 970, G replaced by A.
Protein change: p.Ala324Thr; replaces alanine 324 with threonine.
Molecular consequence: missense variant.
Genome position (GRCh38, 1-based): chr8:41,978,715, C>T on the plus strand (G>A on the coding strand, the complement: KAT6A is on the minus strand). VCF-style: chr8-41978715-C-T. GRCh37 (hg19) VCF-style: chr8-41836233-C-T.
Other names: c.970G>A, p.Ala324Thr (NM_001305878.2); short protein forms A324T.
Identifiers: ClinVar variation 4755827 (VCV004755827.1).

ClinVar aggregate classification (germline): Uncertain significance (1 of 4 stars; one submission).

Submission:

GeneDx
Classification: Uncertain significance. Last evaluated: 2025-08-08. Review status: criteria provided, single submitter. Criteria: GeneDx Variant Classification Process June 2021. Collection method: clinical testing. Allele origin: germline. Affected: yes.
Comment: Not observed at significant frequency in large population cohorts (gnomAD); In silico analysis supports that this missense variant has a deleterious effect on protein structure/function; Has not been previously published as pathogenic or benign to our knowledge